The following is an entry in ClinVar:

ClinVar aggregate classification (germline): Uncertain significance (1 of 4 stars; one submission).

gnomAD v4.1: 4 of 1,612,838 alleles (0.00025%); highest among the groups gnomAD compares: South Asian, 0.0022%; no homozygotes.

Submission:

GeneDx
Classification: Uncertain significance. Last evaluated: 2024-06-24. Review status: criteria provided, single submitter. Criteria: GeneDx Variant Classification Process June 2021. Collection method: clinical testing. Allele origin: germline. Affected: yes.
Comment: Not observed at significant frequency in large population cohorts (gnomAD); Missense variant in a gene in which most reported pathogenic variants are truncating/loss of function; Has not been previously published as pathogenic or benign to our knowledge

NM_001267550.2(TTN):c.55028G>A (p.Arg18343Lys)

Genes: TTN (titin; minus strand), TTN-AS1 (TTN antisense RNA 1; plus strand). Cytogenetic location: 2q31.2.
Variant type: single nucleotide variant.
Coding change: c.55028G>A on transcript NM_001267550.2 (MANE Select); coding-DNA position 55028, G replaced by A.
Protein change: p.Arg18343Lys; replaces arginine 18343 with lysine.
Molecular consequence: missense variant.
Genome position (GRCh38, 1-based): chr2:178,602,374, C>T on the plus strand (G>A on the coding strand, the complement: TTN is on the minus strand). VCF-style: chr2-178602374-C-T. GRCh37 (hg19) VCF-style: chr2-179467101-C-T.
Other names: c.50105G>A, p.Arg16702Lys (NM_001256850.1); c.27833G>A, p.Arg9278Lys (NM_003319.4); c.47324G>A, p.Arg15775Lys (NM_133378.4); c.28208G>A, p.Arg9403Lys (NM_133432.3); c.28409G>A, p.Arg9470Lys (NM_133437.4); short protein forms R15775K, R16702K, R18343K, R9278K, R9403K, R9470K.
Identifiers: ClinVar variation 3392762 (VCV003392762.1).
Genomic context (GRCh38, chr2:178,602,374, plus strand): 5'-GTATCACTTGGTTCAGATTCACCAGCTTCATTGACAGCTTTCACTCTGAATCTGTACTTC[C>T]TGAGCTCTTTCAGATTAGGCACCACACATTCACAGGTAGTTATAAGTTTGTCTGGTTCAT-3'
Protein context (NP_001254479.2, residues 18333-18353): ECVVPNLKEL[Arg18343Lys]KYRFRVKAVN